The following is an entry in ClinVar:

ClinVar aggregate classification (germline): Pathogenic (1 of 4 stars; one submission).

Submission:

Labcorp Genetics (formerly Invitae), Labcorp
Classification: Pathogenic. Last evaluated: 2023-11-17. Review status: criteria provided, single submitter. Criteria: Invitae Variant Classification Sherloc (09022015). Collection method: clinical testing. Allele origin: germline.
Comment: This sequence change creates a premature translational stop signal (p.Glu129*) in the CYP19A1 gene. It is expected to result in an absent or disrupted protein product. Loss-of-function variants in CYP19A1 are known to be pathogenic (PMID: 14602738, 27086564, 27256151). This variant is not present in population databases (gnomAD no frequency). This variant has not been reported in the literature in individuals affected with CYP19A1-related conditions. For these reasons, this variant has been classified as Pathogenic.

Literature cited by the submitters: PubMed 14602738; PubMed 27086564; PubMed 27256151.

NM_000103.4(CYP19A1):c.385G>T (p.Glu129Ter)

Genes: CYP19A1 (cytochrome P450 family 19 subfamily A member 1; minus strand), MIR4713HG (MIR4713 host gene; plus strand), PIRC66 (piwi-interacting RNA cluster 66; plus strand). Cytogenetic location: 15q21.2.
Variant type: single nucleotide variant.
Coding change: c.385G>T on transcript NM_000103.4 (MANE Select); coding-DNA position 385, G replaced by T.
Protein change: p.Glu129Ter; replaces glutamic acid 129 with a stop codon.
Molecular consequence: nonsense.
Genome position (GRCh38, 1-based): chr15:51,227,845, C>A on the plus strand (G>T on the coding strand, the complement: CYP19A1 is on the minus strand). VCF-style: chr15-51227845-C-A. GRCh37 (hg19) VCF-style: chr15-51520042-C-A.
Other names: c.385G>T, p.Glu129Ter (NM_001347249.2, NM_001347250.2, NM_001347251.2 and 7 more transcripts); short protein forms E129*.
Identifiers: ClinVar variation 2696892 (VCV002696892.3), dbSNP rs1239898028, ClinGen allele CA392421173.
Genomic context (GRCh38, chr15:51,227,845, plus strand): 5'-TAAAGAAGGGTCGAGTTGTTTTCCAGAGCTCTGGATTGTTGTTAAATATGATGCCTTTCT[C>A]ATGCATACCGATGCACTGCAGCCCAAGTTTGCTGCCGAATCGAGAGCTGTAATGATTGTG-3'